The following is an entry in ClinVar:

NM_000219.6(KCNE1):c.227_229delinsTCTA (p.Asp76fs)

Gene: KCNE1 (potassium voltage-gated channel subfamily E regulatory subunit 1; minus strand). Cytogenetic location: 21q22.12.
Variant type: Indel.
Coding change: c.227_229delinsTCTA on transcript NM_000219.6 (MANE Select); coding-DNA positions 227 to 229, ACC replaced by TCTA.
Protein change: p.Asp76fs; shifts the reading frame from aspartic acid 76.
Molecular consequence: frameshift variant.
Genome position (GRCh38, 1-based): chr21:34,449,406-34,449,408, GGT replaced by TAGA on the plus strand (ACC replaced by TCTA on the coding strand, the reverse complement: KCNE1 is on the minus strand). VCF-style: chr21-34449406-GGT-TAGA. GRCh37 (hg19) VCF-style: chr21-35821704-GGT-TAGA.
Other names: c.227_229delinsTCTA, p.Asp76fs (NM_001127668.4, NM_001127669.4, NM_001127670.4 and 4 more transcripts); c.227_229delACCinsTCTA (NM_000219.3); short protein forms D76fs.
Identifiers: ClinVar variation 441101 (VCV000441101.9), dbSNP rs1555843898, ClinGen allele CA658653710.

ClinVar aggregate classification (germline): Pathogenic/Likely pathogenic. Review status: criteria provided, multiple submitters, no conflicts (2 of 4 stars). 3 submissions from 3 submitters: Pathogenic (2); Likely pathogenic (1). Last evaluated 2025-07-07.

Conditions:
Long QT syndrome (LQTS). Identifiers: MedGen C0023976, MeSH D008133, MONDO:0002442. Disease mechanism: loss of function. Inheritance: Various modes of inheritance.
Cardiovascular phenotype. Identifiers: MedGen CN230736.

Submissions (3):

Ambry Genetics
Classification: Pathogenic for Cardiovascular phenotype. Last evaluated: 2025-07-07. Review status: criteria provided, single submitter. Criteria: Ambry Variant Classification Scheme 2023. Collection method: clinical testing. Allele origin: germline.
Comment: The c.227_229delACCinsTCTA pathogenic mutation, located in coding exon 1 of the KCNE1 gene, results from the deletion of 3 nucleotides and insertion of 4 nucleotides causing a translational frameshift with a predicted alternate stop codon (p.D76Vfs*35). This alteration occurs at the 3' terminus of theKCNE1 gene, is not expected to trigger nonsense-mediated mRNA decay, and impacts the last 42% of the protein. However, premature stop codons are typically deleterious in nature, and the impacted region is critical for protein function and affects a significant portion of the protein (Ambry internal data). This variant was reported in individual(s) from a cohort referred for long QT syndrome genetic testing (Kapplinger JD et al. Heart Rhythm, 2009 Sep;6:1297-303). This variant is considered to be rare based on population cohorts in the Genome Aggregation Database (gnomAD). Based on the supporting evidence, this variant is interpreted as a disease-causing mutation.

Labcorp Genetics (formerly Invitae), Labcorp
Classification: Pathogenic for Long QT syndrome. Last evaluated: 2022-11-07. Review status: criteria provided, single submitter. Criteria: Invitae Variant Classification Sherloc (09022015). Collection method: clinical testing. Allele origin: germline.
Comment: This sequence change creates a premature translational stop signal (p.Asp76Valfs*35) in the KCNE1 gene. While this is not anticipated to result in nonsense mediated decay, it is expected to disrupt the last 54 amino acid(s) of the KCNE1 protein. Information on the frequency of this variant in the gnomAD database is not available, as this variant may be reported differently in the database. This premature translational stop signal has been observed in individual(s) with clinical features of long QT syndrome (Invitae). This variant disrupts a region of the KCNE1 protein in which other variant(s) (p.Arg98Trp) have been determined to be pathogenic (PMID: 16922724, 17341399, 19907016, 30530868). This suggests that this is a clinically significant region of the protein, and that variants that disrupt it are likely to be disease-causing. For these reasons, this variant has been classified as Pathogenic.

GeneDx
Classification: Likely pathogenic. Last evaluated: 2017-12-11. Review status: criteria provided, single submitter. Criteria: GeneDx Variant Classification Process June 2021. Collection method: clinical testing. Allele origin: germline. Affected: yes.
Comment: This variant is associated with the following publications: (PMID: 19716085)

Literature cited by the submitters: PubMed 19716085 (cited by Ambry Genetics); PubMed 16922724 (cited by Labcorp Genetics (formerly Invitae), Labcorp); PubMed 17341399 (cited by Labcorp Genetics (formerly Invitae), Labcorp); PubMed 19907016 (cited by Labcorp Genetics (formerly Invitae), Labcorp); PubMed 30530868 (cited by Labcorp Genetics (formerly Invitae), Labcorp).